The following is an entry in ClinVar:

NM_000465.4(BARD1):c.1811-16dup

Gene: BARD1 (BRCA1 associated RING domain 1; minus strand). Cytogenetic location: 2q35.
Variant type: Duplication.
Coding change: c.1811-16dup on transcript NM_000465.4 (MANE Select); 16 bases into the intron before coding-DNA position 1811, one base duplicated (T; older notation c.1811-16dupT).
Molecular consequence: intron variant.
Genome position (GRCh38, 1-based): chr2:214,745,169, A duplicated on the plus strand (T on the coding strand, the reverse complement: BARD1 is on the minus strand); the first of 7 consecutive A bases (chr2:214,745,169-214,745,175); duplicating any one gives the same sequence. VCF-style (leftmost placement, unchanged base first): chr2-214745168-C-CA. GRCh37 (hg19) VCF-style: chr2-215609892-C-CA.
Other names: c.401-16dup (NM_001282548.2); c.1754-16dup (NM_001282543.2); c.458-16dup (NM_001282545.2); c.365-14667dup (NM_001282549.2); c.1811-10dupT (NM_000465.3, NM_000465.2); c.1811-10dup (NM_000465.3).
Identifiers: ClinVar variation 548801 (VCV000548801.17), dbSNP rs760333316, ClinGen allele CA2090157.
Genomic context (GRCh38, chr2:214,745,168, plus strand): 5'-ATACACTTCAAGGTACTTTGAACTGCATCACCAGGAACAACAACATGAGTTACTAAAATA[C>CA]AAAAAAAGCAGTAAGAGAAAGAAAGATACAAGCCAAAGTATTTCTTTGGCCTGCTTCTTA-3'

ClinVar aggregate classification (germline): Benign/Likely benign. Review status: criteria provided, multiple submitters, no conflicts (2 of 4 stars). 6 submissions from 6 submitters: Benign (1); Likely benign (4). 1 of the submissions does not count toward it. Last evaluated 2026-01-19.

Conditions:
Hereditary cancer-predisposing syndrome. Also called: Hereditary Cancer Syndrome; Hereditary neoplastic syndrome; Tumor predisposition; Neoplastic Syndromes, Hereditary. Identifiers: Orphanet 140162, MedGen C0027672, MeSH D009386, MONDO:0015356.
Familial cancer of breast. Also called: Hereditary breast cancer; hereditary breast carcinoma; BREAST CANCER, FAMILIAL. Identifiers: Orphanet 227535, MedGen C0346153, MONDO:0016419, OMIM 114480. Disease mechanism: loss of function.

Submissions (6):

Labcorp Genetics (formerly Invitae), Labcorp
Classification: Benign for Familial cancer of breast. Last evaluated: 2026-01-19. Review status: criteria provided, single submitter. Criteria: Invitae Variant Classification Sherloc (09022015). Collection method: clinical testing. Allele origin: germline.

Quest Diagnostics Nichols Institute San Juan Capistrano
Classification: Likely benign. Last evaluated: 2025-03-31. Review status: criteria provided, single submitter. Criteria: Quest Diagnostics criteria. Collection method: clinical testing. Allele origin: unknown.

Myriad Genetics, Inc.
Classification: Likely benign for Familial cancer of breast. Last evaluated: 2024-07-26. Review status: criteria provided, single submitter. Criteria: Myriad Autosomal Dominant, Autosomal Recessive and X-Linked Classification Criteria (2023). Collection method: clinical testing. Allele origin: unknown.
Comment: This variant is considered likely benign. This variant is intronic and is not expected to impact mRNA splicing.

Department of Pathology and Laboratory Medicine, Sinai Health System
Classification: Likely benign for Familial cancer of breast. Last evaluated: 2021-08-10. Review status: criteria provided, single submitter. Criteria: ACMG Guidelines, 2015. Collection method: clinical testing. Allele origin: germline. Affected: yes.

Color Diagnostics, LLC DBA Color Health
Classification: Likely benign for Hereditary cancer-predisposing syndrome. Last evaluated: 2018-04-13. Review status: criteria provided, single submitter. Criteria: ACMG Guidelines, 2015. Collection method: clinical testing. Allele origin: germline.

Counsyl
Classification: Likely benign for Familial cancer of breast. Last evaluated: 2017-10-17. Review status: no assertion criteria provided. Collection method: clinical testing. Allele origin: unknown. Not counted in ClinVar's aggregate classification.